The following is an entry in ClinVar:

NM_015338.6(ASXL1):c.1527C>G (p.Ser509Arg)

Gene: ASXL1 (ASXL transcriptional regulator 1; plus strand). Cytogenetic location: 20q11.21.
Variant type: single nucleotide variant.
Coding change: c.1527C>G on transcript NM_015338.6 (MANE Select); coding-DNA position 1527, C replaced by G.
Protein change: p.Ser509Arg; replaces serine 509 with arginine.
Molecular consequence: missense variant.
Genome position (GRCh38, 1-based): chr20:32,433,725, C>G. VCF-style: chr20-32433725-C-G. GRCh37 (hg19) VCF-style: chr20-31021528-C-G.
Other names: c.1344C>G, p.Ser448Arg (NM_001363734.1); short protein forms S448R, S509R.
Identifiers: ClinVar variation 4588107 (VCV004588107.1).

ClinVar aggregate classification (germline): Uncertain significance (1 of 4 stars; one submission).

Conditions:
Inborn genetic diseases. Identifiers: MedGen C0950123, MeSH D030342.

Submission:

Ambry Genetics
Classification: Uncertain significance for Inborn genetic diseases. Last evaluated: 2025-10-26. Review status: criteria provided, single submitter. Criteria: Ambry Variant Classification Scheme 2023. Collection method: clinical testing. Allele origin: germline.
Comment: The p.S509R variant (also known as c.1527C>G), located in coding exon 12 of the ASXL1 gene, results from a C to G substitution at nucleotide position 1527. The serine at codon 509 is replaced by arginine, an amino acid with dissimilar properties. This amino acid position is conserved. In addition, this alteration is predicted to be tolerated by in silico analysis. Based on the available evidence, the clinical significance of this variant remains unclear.